The following is an entry in ClinVar:

ClinVar aggregate classification (germline): Uncertain significance. Review status: criteria provided, multiple submitters, no conflicts (2 of 4 stars). 2 submissions from 2 submitters: Uncertain significance (2). Last evaluated 2025-10-20.

Conditions:
Sandhoff disease. Also called: GM2-GANGLIOSIDOSIS, TYPE II; HEXOSAMINIDASES A AND B DEFICIENCY; Beta-hexosaminidase-beta-subunit deficiency; GM2 gangliosidosis, type 2; Total hexosaminidase deficiency; Sandhoff-Jatzkewitz-Pilz disease. Identifiers: Orphanet 796, MedGen C0036161, MONDO:0010006, OMIM 268800.

Submissions (2):

3billion
Classification: Uncertain significance for Sandhoff disease. Last evaluated: 2025-10-20. Review status: criteria provided, single submitter. Criteria: ACMG Guidelines, 2015. Collection method: clinical testing. Allele origin: germline. Affected: yes.
Comment: The variant is not observed in the gnomAD v4.1.0 dataset. Predicted Consequence/Location: Missense variant. The majority of the known disease-causing variants of this gene are variants expected to result in premature termination of the protein. In silico tool predictions suggest damaging effect of the variant on gene or gene product [REVEL: 0.96 (>=0.6, sensitivity 0.68 and specificity 0.92); 3Cnet: 0.99 (> 0.75, sensitivity 0.96 and precision 0.92)]. The variant has been reported as of uncertain significance (ClinVar ID: VCV001332733). Different missense changes at the same codon have been reported as of uncertain significance (ClinVar ID: VCV001407402). Therefore, this variant is classified as VUS according to the recommendation of ACMG/AMP guideline.

Kasturba Medical College, Manipal, Kasturba Medical College, Manipal, Manipal Academy of Higher Education, Manipal, India
Classification: Uncertain significance for Sandhoff disease. Review status: criteria provided, single submitter. Criteria: ACMG Guidelines, 2015. Collection method: clinical testing. Allele origin: inherited. Inheritance: Autosomal recessive inheritance. Affected: yes.

NM_000521.4(HEXB):c.880C>T (p.His294Tyr)

Gene: HEXB (hexosaminidase subunit beta; plus strand). Cytogenetic location: 5q13.3.
Variant type: single nucleotide variant.
Coding change: c.880C>T on transcript NM_000521.4 (MANE Select); coding-DNA position 880, C replaced by T.
Protein change: p.His294Tyr; replaces histidine 294 with tyrosine.
Molecular consequence: missense variant.
Genome position (GRCh38, 1-based): chr5:74,713,614, C>T. VCF-style: chr5-74713614-C-T. GRCh37 (hg19) VCF-style: chr5-74009439-C-T.
Other names: c.205C>T, p.His69Tyr (NM_001292004.2); short protein forms H294Y, H69Y.
Identifiers: ClinVar variation 1332733 (VCV001332733.3), dbSNP rs2112171970, ClinGen allele CA360067182.